The following is an entry in ClinVar:

ClinVar aggregate classification (germline): Uncertain significance. Review status: criteria provided, multiple submitters, no conflicts (2 of 4 stars). 2 submissions from 2 submitters: Uncertain significance (2). Last evaluated 2024-10-24.

Conditions:
Epidermodysplasia verruciformis. Identifiers: Orphanet 302, MedGen C0014522, MONDO:0009176.
Inborn genetic diseases. Identifiers: MedGen C0950123, MeSH D030342.

Submissions (2):

Ambry Genetics
Classification: Uncertain significance for Inborn genetic diseases. Last evaluated: 2024-10-24. Review status: criteria provided, single submitter. Criteria: Ambry Variant Classification Scheme 2023. Collection method: clinical testing. Allele origin: germline.

Labcorp Genetics (formerly Invitae), Labcorp
Classification: Uncertain significance for Epidermodysplasia verruciformis. Last evaluated: 2019-09-22. Review status: criteria provided, single submitter. Criteria: Invitae Variant Classification Sherloc (09022015). Collection method: clinical testing. Allele origin: germline.
Comment: In summary, the available evidence is currently insufficient to determine the role of this variant in disease. Therefore, it has been classified as a Variant of Uncertain Significance. Algorithms developed to predict the effect of missense changes on protein structure and function are either unavailable or do not agree on the potential impact of this missense change (SIFT: "Tolerated"; PolyPhen-2: "Possibly Damaging"; Align-GVGD: "Class C0"). This variant has not been reported in the literature in individuals with TMC8-related conditions. The frequency data for this variant in the population databases is considered unreliable, as metrics indicate insufficient coverage at this position in the ExAC database. This sequence change replaces arginine with tryptophan at codon 65 of the TMC8 protein (p.Arg65Trp). The arginine residue is weakly conserved and there is a moderate physicochemical difference between arginine and tryptophan.

NM_152468.5(TMC8):c.193C>T (p.Arg65Trp)

Genes: TMC6 (transmembrane channel like 6; minus strand), TMC8 (transmembrane channel like 8; plus strand), LOC130061792 (ATAC-STARR-seq lymphoblastoid silent region 9043; plus strand). Cytogenetic location: 17q25.3.
Variant type: single nucleotide variant.
Coding change: c.193C>T on transcript NM_152468.5 (MANE Select); coding-DNA position 193, C replaced by T.
Protein change: p.Arg65Trp; replaces arginine 65 with tryptophan.
Molecular consequence: missense variant. On other transcripts: intron variant (1).
Genome position (GRCh38, 1-based): chr17:78,131,925, C>T. VCF-style: chr17-78131925-C-T. GRCh37 (hg19) VCF-style: chr17-76128006-C-T.
Other names: c.-75+416G>A (NM_007267.7); short protein forms R65W.
Identifiers: ClinVar variation 942947 (VCV000942947.11), dbSNP rs2074996382, ClinGen allele CA401239708.